The following is an entry in ClinVar:

ClinVar aggregate classification (germline): Likely pathogenic (1 of 4 stars; one submission).

Submission:

Labcorp Genetics (formerly Invitae), Labcorp
Classification: Likely pathogenic. Last evaluated: 2023-01-18. Review status: criteria provided, single submitter. Criteria: Invitae Variant Classification Sherloc (09022015). Collection method: clinical testing. Allele origin: germline.
Comment: This sequence change replaces arginine, which is basic and polar, with leucine, which is neutral and non-polar, at codon 1193 of the CPLANE1 protein (p.Arg1193Leu). In summary, the currently available evidence indicates that the variant is pathogenic, but additional data are needed to prove that conclusively. Therefore, this variant has been classified as Likely Pathogenic. This variant disrupts the p.Arg1193 amino acid residue in CPLANE1. Other variant(s) that disrupt this residue have been determined to be pathogenic (PMID: 24091540, 24178751, 28431631). This suggests that this residue is clinically significant, and that variants that disrupt this residue are likely to be disease-causing. Advanced modeling of protein sequence and biophysical properties (such as structural, functional, and spatial information, amino acid conservation, physicochemical variation, residue mobility, and thermodynamic stability) performed at Invitae indicates that this missense variant is expected to disrupt CPLANE1 protein function. This variant has not been reported in the literature in individuals affected with CPLANE1-related conditions. This variant is not present in population databases (gnomAD no frequency).

Literature cited by the submitters: PubMed 24091540; PubMed 24178751; PubMed 28431631.

NM_001384732.1(CPLANE1):c.3578G>T (p.Arg1193Leu)

Gene: CPLANE1 (ciliogenesis and planar polarity effector complex subunit 1; minus strand). Cytogenetic location: 5p13.2.
Variant type: single nucleotide variant.
Coding change: c.3578G>T on transcript NM_001384732.1 (MANE Select); coding-DNA position 3578, G replaced by T.
Protein change: p.Arg1193Leu; replaces arginine 1193 with leucine.
Molecular consequence: missense variant.
Genome position (GRCh38, 1-based): chr5:37,198,796, C>A on the plus strand (G>T on the coding strand, the complement: CPLANE1 is on the minus strand). VCF-style: chr5-37198796-C-A. GRCh37 (hg19) VCF-style: chr5-37198898-C-A.
Other names: c.3578G>T, p.Arg1193Leu (NM_023073.4); short protein forms R1193L.
Identifiers: ClinVar variation 2829824 (VCV002829824.3), dbSNP rs751692515, ClinGen allele CA359511599.